The following is an entry in ClinVar:

NM_002294.3(LAMP2):c.977G>C (p.Gly326Ala)

Gene: LAMP2 (lysosome associated membrane protein 2; minus strand). Cytogenetic location: Xq24.
Variant type: single nucleotide variant.
Coding change: c.977G>C on transcript NM_002294.3 (MANE Select); coding-DNA position 977, G replaced by C.
Protein change: p.Gly326Ala; replaces glycine 326 with alanine.
Molecular consequence: missense variant.
Genome position (GRCh38, 1-based): chrX:120,441,846, C>G on the plus strand (G>C on the coding strand, the complement: LAMP2 is on the minus strand). VCF-style: chrX-120441846-C-G. GRCh37 (hg19) VCF-style: chrX-119575701-C-G.
Other names: c.977G>C (NM_002294.2); c.977G>C, p.Gly326Ala (NM_001122606.1, NM_013995.2); short protein forms G326A.
Identifiers: ClinVar variation 1018766 (VCV001018766.10), dbSNP rs991396612, ClinGen allele CA335013105.
Genomic context (GRCh38, chrX:120,441,846, plus strand): 5'-TTTATCTGAAATGCTCCAGACACTGAAACAGTCTGCTCTTTGTTGCACATATAAGAACTT[C>G]CCAGGGGGGCATCCCAGTAGCTGAGATTGTTATTTGCAATGCTGAAAACTTCAAAGAAAA-3'
Protein context (NP_002285.1, residues 316-336): NNLSYWDAPL[Gly326Ala]SSYMCNKEQT

ClinVar aggregate classification (germline): Uncertain significance. Review status: criteria provided, multiple submitters, no conflicts (2 of 4 stars). 3 submissions from 3 submitters: Uncertain significance (3). Last evaluated 2025-08-20.

Conditions:
Cardiovascular phenotype. Identifiers: MedGen CN230736.
Danon disease. Also called: GSD IIb; LYSOSOMAL GLYCOGEN STORAGE DISEASE WITHOUT ACID MALTASE DEFICIENCY; PSEUDOGLYCOGENOSIS II; ANTOPOL DISEASE; Glycogen Storage Disease Type IIb. Identifiers: Orphanet 34587, MedGen C0878677, MONDO:0010281, OMIM 300257.

Allele frequency attached by ClinVar (database versions not stated): gnomAD 0.00002; TOPMed 0.00003.
gnomAD v4.1: 7 of 1,208,388 alleles (0.00058%); highest among the groups gnomAD compares: Non-Finnish European, 0.00078%; no homozygotes.

Submissions (3):

Labcorp Genetics (formerly Invitae), Labcorp
Classification: Uncertain significance for Danon disease. Last evaluated: 2025-08-20. Review status: criteria provided, single submitter. Criteria: Invitae Variant Classification Sherloc (09022015). Collection method: clinical testing. Allele origin: germline.
Comment: This sequence change replaces glycine, which is neutral and non-polar, with alanine, which is neutral and non-polar, at codon 326 of the LAMP2 protein (p.Gly326Ala). This variant is not present in population databases (gnomAD no frequency). This variant has not been reported in the literature in individuals affected with LAMP2-related conditions. ClinVar contains an entry for this variant (Variation ID: 1018766). Invitae Evidence Modeling of protein sequence and biophysical properties (such as structural, functional, and spatial information, amino acid conservation, physicochemical variation, residue mobility, and thermodynamic stability) indicates that this missense variant is expected to disrupt LAMP2 protein function with a positive predictive value of 80%. In summary, the available evidence is currently insufficient to determine the role of this variant in disease. Therefore, it has been classified as a Variant of Uncertain Significance.

Ambry Genetics
Classification: Uncertain significance for Cardiovascular phenotype. Last evaluated: 2025-04-23. Review status: criteria provided, single submitter. Criteria: Ambry Variant Classification Scheme 2023. Collection method: clinical testing. Allele origin: germline.
Comment: The p.G326A variant (also known as c.977G>C), located in coding exon 8 of the LAMP2 gene, results from a G to C substitution at nucleotide position 977. The glycine at codon 326 is replaced by alanine, an amino acid with similar properties. This amino acid position is highly conserved in available vertebrate species. In addition, this alteration is predicted to be tolerated by in silico analysis. Based on the available evidence, the clinical significance of this variant remains unclear.

Women's Health and Genetics/Laboratory Corporation of America, LabCorp
Classification: Uncertain significance. Last evaluated: 2024-09-29. Review status: criteria provided, single submitter. Criteria: LabCorp Variant Classification Summary - May 2015. Collection method: clinical testing. Allele origin: germline.